The following is an entry in ClinVar:

ClinVar aggregate classification (germline): Likely benign (1 of 4 stars; one submission).

gnomAD v4.1: 85 of 1,613,898 alleles (0.0053%); highest among the groups gnomAD compares: Middle Eastern, 0.033%; no homozygotes.

Submission:

CeGaT Center for Human Genetics Tuebingen
Classification: Likely benign. Last evaluated: 2026-03-01. Review status: criteria provided, single submitter. Criteria: CeGaT Center For Human Genetics Tuebingen Variant Classification Criteria Version 2. Collection method: clinical testing. Allele origin: germline. Affected: yes. Observed: 1 variant allele.
Comment: HECTD4: BP4, BP7

NM_001388303.1(HECTD4):c.11751G>A (p.Ala3917=)

Gene: HECTD4 (HECT domain E3 ubiquitin protein ligase 4; minus strand). Cytogenetic location: 12q24.13.
Variant type: single nucleotide variant.
Coding change: c.11751G>A on transcript NM_001388303.1 (MANE Select); coding-DNA position 11751, G replaced by A.
Protein change: p.Ala3917=; no amino-acid change (alanine 3917 retained).
Molecular consequence: synonymous variant.
Genome position (GRCh38, 1-based): chr12:112,172,705, C>T on the plus strand (G>A on the coding strand, the complement: HECTD4 is on the minus strand). VCF-style: chr12-112172705-C-T. GRCh37 (hg19) VCF-style: chr12-112610509-C-T.
Other names: c.11781G>A, p.Ala3927= (NM_001109662.4).
Identifiers: ClinVar variation 4821802 (VCV004821802.4).